The following continues an entry in ClinVar:

NM_007294.4(BRCA1):c.5095C>T (p.Arg1699Trp)

Gene: BRCA1. ClinVar aggregate classification (germline): Pathogenic. Pathogenic (1).

Submissions 35 to 53 of 53:

Department of Medical Genetics, Oslo University Hospital
Classification: Pathogenic for Breast-ovarian cancer, familial, susceptibility to, 1. Last evaluated: 2015-10-20. Review status: criteria provided, single submitter. Criteria: ACMG Guidelines, 2015. Collection method: clinical testing. Allele origin: germline. Affected: yes. Observed: 1 variant allele. Not counted in ClinVar's aggregate classification.

Consortium of Investigators of Modifiers of BRCA1/2 (CIMBA), c/o University of Cambridge
Classification: Pathogenic for Breast-ovarian cancer, familial, susceptibility to, 1. Last evaluated: 2015-10-02. Review status: criteria provided, single submitter. Criteria: CIMBA Mutation Classification guidelines May 2016. Collection method: clinical testing. Allele origin: germline. Not counted in ClinVar's aggregate classification.

Clinical Genetics DNA and cytogenetics Diagnostics Lab, Erasmus MC, Erasmus Medical Center
Classification: Pathogenic for Breast-ovarian cancer, familial, susceptibility to, 1. Last evaluated: 2015-09-21. Review status: criteria provided, single submitter. Criteria: ACGS Guidelines, 2013. Collection method: clinical testing. Allele origin: germline. Affected: yes. Study: VKGL Data-share Consensus. Not counted in ClinVar's aggregate classification.

Clinical Genetics and Genomics, Karolinska University Hospital
Classification: Pathogenic. Last evaluated: 2014-08-12. Review status: criteria provided, single submitter. Criteria: ACMG Guidelines, 2015. Collection method: clinical testing. Allele origin: germline. Affected: yes. Observed: 7 variant alleles. Not counted in ClinVar's aggregate classification.

Genesis Genomics
Classification: Pathogenic for Breast-ovarian cancer, familial, susceptibility to, 1. Review status: criteria provided, single submitter. Criteria: ACMG Guidelines, 2015. Collection method: clinical testing. Allele origin: germline. Affected: yes. Observed: 1 variant allele. Not counted in ClinVar's aggregate classification.

CZECANCA consortium
Classification: Pathogenic for Endometrial carcinoma. Last evaluated: 2023-02-21. Review status: no assertion criteria provided. Collection method: clinical testing. Allele origin: germline. Affected: yes. Observed: 1 variant allele. Not counted in ClinVar's aggregate classification.

BRCAlab, Lund University
Classification: Pathogenic for Breast-ovarian cancer, familial, susceptibility to, 1. Last evaluated: 2020-03-02. Review status: no assertion criteria provided. Collection method: clinical testing. Allele origin: germline. Affected: yes. Not counted in ClinVar's aggregate classification.

University of Washington Center for Mendelian Genomics, University of Washington
Classification: Pathogenic for Fanconi anemia, complementation group A. Last evaluated: 2015-05-19. Review status: no assertion criteria provided. Collection method: research. Allele origin: paternal. Affected: yes. Observed: 1 variant allele. Not counted in ClinVar's aggregate classification.

OMIM
Classification: Pathogenic for FANCONI ANEMIA, COMPLEMENTATION GROUP S. Last evaluated: 2015-02-01. Review status: no assertion criteria provided. Collection method: literature only. Allele origin: germline. Not counted in ClinVar's aggregate classification.

OMIM
Classification: Pathogenic for BREAST-OVARIAN CANCER, FAMILIAL, SUSCEPTIBILITY TO, 1. Last evaluated: 2015-02-01. Review status: no assertion criteria provided. Collection method: literature only. Allele origin: germline. Not counted in ClinVar's aggregate classification.

CSER _CC_NCGL, University of Washington
Classification: Pathogenic for Breast and colorectal cancer. Last evaluated: 2014-06-01. Review status: no assertion criteria provided. Collection method: research. Allele origin: germline. Inheritance: Autosomal dominant inheritance. Study: ESP 6500 variant annotation. Not counted in ClinVar's aggregate classification.
Comment: Variants classified for the Actionable exomic incidental findings in 6503 participants: challenges of variant classification manuscript

Research Molecular Genetics Laboratory, Women's College Hospital, University of Toronto
Classification: Pathogenic for Hereditary breast ovarian cancer syndrome. Last evaluated: 2014-01-31. Review status: no assertion criteria provided. Collection method: research. Allele origin: germline. Affected: yes. Study: The Canadian Open Genetics Repository (COGR). Not counted in ClinVar's aggregate classification.

Sharing Clinical Reports Project (SCRP)
Classification: Pathogenic for Breast-ovarian cancer, familial 1. Last evaluated: 2012-05-01. Review status: no assertion criteria provided. Collection method: clinical testing. Allele origin: germline. Not counted in ClinVar's aggregate classification.

Breast Cancer Information Core (BIC) (BRCA1)
Classification: Pathogenic for Breast-ovarian cancer, familial 1. Last evaluated: 2004-02-20. Review status: no assertion criteria provided. Collection method: clinical testing. Allele origin: germline. Affected: yes. Observed: 20 variant alleles. Not counted in ClinVar's aggregate classification.

Department of Pathology and Laboratory Medicine, Sinai Health System
Classification: Pathogenic for Malignant tumor of breast. Review status: no assertion criteria provided. Collection method: clinical testing. Allele origin: unknown. Affected: yes. Study: The Canadian Open Genetics Repository (COGR). Not counted in ClinVar's aggregate classification.
Comment: The BRCA1 p.Arg1699Trp variant was identified in 13 of 2944 proband chromosomes (frequency: 0.004) from German, Finnish and Middle Eastern/North African individuals or families with breast and ovarian cancers (Kuusisto 2011, Laraqui 2014 , Rhiem 2007). Multiple functional assays assessing transcriptional activation in yeast and mammalian cells have found that the variant is temperature sensitive, reducing transactivation, confirmed by segregation analysis of a large pedigree (Vallon-Christersson 2001, Karchin 2007, Worley 2002 , Thouvenot 2016). The variant falls within the BRCT domain and numerous studies have shown that the variant leads to BRCT folding defect thereby reducing the proteolytic and conformational stability of the domain, evidenced by peptide binding assays and protein 3-dimensional structure (Williams 2004, Glover 2006, Shiozaki 2004, Clapperton 2004, Coquelle 2011, Worley 2002 , Carvalho 2014). Classification of UVs using evolutionary conservation, multifactorial likelihood models also define the variant as pathogenic (Abkevich 2004, Mirkovic 2004, Easton 2007, Osorio 2007, Karchin 2007, Gomez Garcia 2009). 594_597del; p.(Ser198Argfs*35); The variant was also identified in dbSNP (ID: rs55770810) â€šÃ„ÃºWith Pathogenic,untested alleleâ€šÃ„Ã¹, Clinvitae database (classification pathogenic 7X and likely pathogenic 1X), Fanconi Anemia Mutation Database (LOVD), LOVD-IARC database (classification definitely pathogenic), ARUP Laboratories BRCA Mutations Database (classification definitely pathogenic), the ClinVar database (classification pathogenic, reviewed by an expert panel, submitters: ENIGMA, CIMBA, GeneDx, Invitae, Ambry Genetics, -University of Washington (CSER CC NCGL and Center for Mendelian Genomics, BIC, SCRP (Sharing Clinical Reports Project, derived from Myriad reports); classification likely pathogenic by GeneKor MSA), the BIC database (18x with clinical importance, pending classification), and UMD (6x with a â€šÃ„Ãºcausalâ€šÃ„Ã¹ classification). This variant was identified in the the NHLBI GO Exome Sequencing Project in 1 of 8600 European American alleles, the genome Aggregation Database (beta, October 19th 2016) in 6 of 246072 chromosomes (freq. 00002), the Exome Aggregation Consortium database (August 8th 2016) in 3 of 120306 chromosomes (freq. 0.00002) in the following populations: Other in 1 of 894 chromosomes (freq. 0.0011), East Asian in 1 of 8594 chromosomes (freq. 0.0001), European (Non-Finnish) in 1 of 66108 chromosomes (freq. 0.00002), , but was not seen African, European (Finnish), Latino and South Asian populations, increasing the likelihood this could be a low frequency benign variant. The p.Arg1699 residue is conserved across mammals and other organisms, and computational analyses (PolyPhen-2, SIFT, AlignGVGD, BLOSUM, MutationTaster) suggest that the variant may impact the protein; however, this information is not predictive enough to assume pathogenicity. The variant occurs outside of the splicing consensus sequence and in silico or computational prediction software programs (SpliceSiteFinder, MaxEntScan, NNSPLICE, GeneSplicer, HumanSpliceFinder) do not predict a difference in splicing. In summary, based on the above information, this variant meets our laboratoryâ€šÃ„Ã´s criteria to be classified as pathogenic.

Diagnostic Laboratory, Department of Genetics, University Medical Center Groningen
Classification: Pathogenic for Breast-ovarian cancer, familial, susceptibility to, 1. Review status: no assertion criteria provided. Collection method: clinical testing. Allele origin: germline. Affected: yes. Study: VKGL Data-share Consensus. Not counted in ClinVar's aggregate classification.

Joint Genome Diagnostic Labs from Nijmegen and Maastricht, Radboudumc and MUMC+
Classification: Pathogenic. Review status: no assertion criteria provided. Collection method: clinical testing. Allele origin: germline. Affected: yes. Study: VKGL Data-share Consensus. Not counted in ClinVar's aggregate classification.

Laboratory of Diagnostic Genome Analysis, Leiden University Medical Center (LUMC)
Classification: Pathogenic. Review status: no assertion criteria provided. Collection method: clinical testing. Allele origin: germline. Affected: yes. Study: VKGL Data-share Consensus. Not counted in ClinVar's aggregate classification.

University of Washington Center for Mendelian Genomics, University of Washington
Classification: Likely pathogenic for Fanconi anemia, complementation group S. Review status: no assertion criteria provided. Collection method: research. Allele origin: inherited. Affected: yes. Not counted in ClinVar's aggregate classification.

Literature cited by the submitters: PubMed 21990134 (cited by 7 submitters); PubMed 29446198 (cited by Dasa and Laboratory for Molecular Medicine, Mass General Brigham Personalized Medicine); PubMed 11157798 (cited by 11 submitters); PubMed 17574969 (cited by 7 submitters); PubMed 21324516 (cited by 6 submitters); PubMed 21356067 (cited by 3 submitters); PubMed 22889855 (cited by 6 submitters); PubMed 25472942 (cited by 10 submitters); PubMed 17924331 (cited by 7 submitters); PubMed 17308087 (cited by 5 submitters); PubMed 20516115 (cited by 4 submitters); PubMed 21473589 (cited by 8 submitters); PubMed 23867111 (cited by 6 submitters); PubMed 15235020 (cited by Ambry Genetics); PubMed 18951461 (cited by Ambry Genetics); PubMed 21965345 (cited by Ambry Genetics); PubMed 24055113 (cited by Ambry Genetics); PubMed 29161300 (cited by Ambry Genetics and Laboratory for Molecular Medicine, Mass General Brigham Personalized Medicine); PubMed 30825404 (cited by Ambry Genetics); PubMed 31454914 (cited by Ambry Genetics and Quest Diagnostics Nichols Institute San Juan Capistrano); PubMed 31472684 (cited by Ambry Genetics and Quest Diagnostics Nichols Institute San Juan Capistrano).